The following is an entry in ClinVar:

ClinVar aggregate classification (germline): Likely benign. Review status: criteria provided, multiple submitters, no conflicts (2 of 4 stars). 2 submissions from 2 submitters: Likely benign (2). Last evaluated 2024-06-17.

Conditions:
Ataxia-telangiectasia syndrome (AT). Also called: LOUIS-BAR SYNDROME; Cerebello-oculocutaneous telangiectasia; Immunodeficiency with ataxia telangiectasia; Ataxia telangiectasia (A-T); Ataxia-telangiectasia, complementation group D; AT, COMPLEMENTATION GROUP C. Identifiers: Orphanet 100, MedGen C0004135, MONDO:0008840, OMIM 208900.
Familial cancer of breast. Also called: BREAST CANCER, FAMILIAL; Hereditary breast cancer; hereditary breast carcinoma. Identifiers: Orphanet 227535, MedGen C0346153, MONDO:0016419, OMIM 114480. Disease mechanism: loss of function.

Submissions (2):

Myriad Genetics, Inc.
Classification: Likely benign for Familial cancer of breast. Last evaluated: 2024-06-17. Review status: criteria provided, single submitter. Criteria: Myriad Autosomal Dominant, Autosomal Recessive and X-Linked Classification Criteria (2023). Collection method: clinical testing. Allele origin: unknown.
Comment: This variant is considered likely benign. This variant is intronic and is not expected to impact mRNA splicing.

Labcorp Genetics (formerly Invitae), Labcorp
Classification: Likely benign for Ataxia-telangiectasia syndrome. Last evaluated: 2024-01-04. Review status: criteria provided, single submitter. Criteria: Invitae Variant Classification Sherloc (09022015). Collection method: clinical testing. Allele origin: germline.

NM_000051.4(ATM):c.7789-9T>C

Genes: ATM (ATM serine/threonine kinase; plus strand), C11orf65 (chromosome 11 open reading frame 65; minus strand). Cytogenetic location: 11q22.3.
Variant type: single nucleotide variant.
Coding change: c.7789-9T>C on transcript NM_000051.4 (MANE Select); 9 bases into the intron before coding-DNA position 7789, T replaced by C.
Molecular consequence: intron variant.
Genome position (GRCh38, 1-based): chr11:108,332,753, T>C. VCF-style: chr11-108332753-T-C. GRCh37 (hg19) VCF-style: chr11-108203480-T-C.
Other names: c.7789-9T>C (NM_001351834.2); c.641-23682A>G (NM_001330368.2); c.*38+2467A>G (NM_001351110.2).
Identifiers: ClinVar variation 2707513 (VCV002707513.4), dbSNP rs2547297433, ClinGen allele CA2615862261.
Genomic context (GRCh38, chr11:108,332,753, plus strand): 5'-TTTTCTAACTCTGAGAAGTTTAAATGTTGGGTAGTTCCTTATGTAATGTTTTTTGTTTTT[T>C]ATTAATAGGATCGAACAGAGGCTGCAAATAGAATAATATGTACTATCAGAAGTAGGAGAC-3'